The following is an entry in ClinVar:

ClinVar aggregate classification (germline): Uncertain significance (1 of 4 stars; one submission).

Conditions:
Congenital myotonia, autosomal recessive form. Also called: BECKER DISEASE; Becker Generalized Myotonia; myotonia congenita, autosomal recessive. Identifiers: Orphanet 614, MedGen C0751360, MONDO:0009715, OMIM 255700.
Congenital myotonia, autosomal dominant form (THD). Also called: THOMSEN DISEASE; Myotonia congenita autosomal dominant. Identifiers: Orphanet 614, MedGen C2936781, MONDO:0008055, OMIM 160800.

Allele frequency attached by ClinVar (database versions not stated): gnomAD 0.00001; gnomAD exomes 0.00001.
gnomAD v4.1: 11 of 1,611,250 alleles (0.00068%); highest among the groups gnomAD compares: Admixed American, 0.0033%; no homozygotes.

Submission:

Labcorp Genetics (formerly Invitae), Labcorp
Classification: Uncertain significance for Congenital myotonia, autosomal recessive form; Congenital myotonia, autosomal dominant form. Last evaluated: 2025-08-29. Review status: criteria provided, single submitter. Criteria: Invitae Variant Classification Sherloc (09022015). Collection method: clinical testing. Allele origin: germline.
Comment: This sequence change replaces valine, which is neutral and non-polar, with methionine, which is neutral and non-polar, at codon 473 of the CLCN1 protein (p.Val473Met). This variant is not present in population databases (gnomAD no frequency). This variant has not been reported in the literature in individuals affected with CLCN1-related conditions. ClinVar contains an entry for this variant (Variation ID: 2153315). Invitae Evidence Modeling of protein sequence and biophysical properties (such as structural, functional, and spatial information, amino acid conservation, physicochemical variation, residue mobility, and thermodynamic stability) has been performed for this missense variant. However, the output from this modeling did not meet the statistical confidence thresholds required to predict the impact of this variant on CLCN1 protein function. In summary, the available evidence is currently insufficient to determine the role of this variant in disease. Therefore, it has been classified as a Variant of Uncertain Significance.

NM_000083.3(CLCN1):c.1417G>A (p.Val473Met)

Gene: CLCN1 (chloride voltage-gated channel 1; plus strand). Cytogenetic location: 7q34.
Variant type: single nucleotide variant.
Coding change: c.1417G>A on transcript NM_000083.3 (MANE Select); coding-DNA position 1417, G replaced by A.
Protein change: p.Val473Met; replaces valine 473 with methionine.
Molecular consequence: missense variant. On other transcripts: non-coding transcript variant (1).
Genome position (GRCh38, 1-based): chr7:143,339,268, G>A. VCF-style: chr7-143339268-G-A. GRCh37 (hg19) VCF-style: chr7-143036361-G-A.
Other names: short protein forms V473M.
Identifiers: ClinVar variation 2153315 (VCV002153315.3), dbSNP rs987348654, ClinGen allele CA168219527.